The following is an entry in ClinVar:

ClinVar aggregate classification (germline): Uncertain significance (1 of 4 stars; one submission).

Conditions:
Koolen-de Vries syndrome (KDVS). Identifiers: Orphanet 96169, MedGen C1864871, MONDO:0012496, OMIM 610443.

Submission:

Labcorp Genetics (formerly Invitae), Labcorp
Classification: Uncertain significance for Koolen-de Vries syndrome. Last evaluated: 2021-09-17. Review status: criteria provided, single submitter. Criteria: Invitae Variant Classification Sherloc (09022015). Collection method: clinical testing. Allele origin: germline.
Comment: Due to the possible presence of a polymorphic segmental duplication, the location of the variant could not be unambiguously resolved. Variants with ambiguous mapping are still reported relative to the KANSL1 transcript. This sequence change replaces histidine with leucine at codon 427 of the KANSL1 protein (p.His427Leu). The histidine residue is highly conserved and there is a moderate physicochemical difference between histidine and leucine. The frequency data for this variant in the population databases (ExAC) is considered unreliable due to the presence of homologous sequence, such as pseudogenes or paralogs, in the genome. This variant has not been reported in the literature in individuals with KANSL1-related conditions. Algorithms developed to predict the effect of missense changes on protein structure and function are either unavailable or do not agree on the potential impact of this missense change (SIFT: "Tolerated"; PolyPhen-2: "Probably Damaging"; Align-GVGD: "Class C15"). Until the location of this sequence change can be resolved, the clinical significance of this variant remains uncertain. It has been classified as a Variant of Uncertain Significance.

NM_015443.4(KANSL1):c.1280A>T (p.His427Leu)

Gene: KANSL1 (KAT8 regulatory NSL complex subunit 1). Cytogenetic location: 17q21.31.
Variant type: single nucleotide variant.
Coding change: c.1280A>T on transcript NM_015443.4 (MANE Select); coding-DNA position 1280, A replaced by T.
Protein change: p.His427Leu; replaces histidine 427 with leucine.
Molecular consequence: missense variant.
Genome position (GRCh38, 1-based): chr17:46,170,864, T>A on the plus strand (A>T on the coding strand, the complement: KANSL1 is on the minus strand). VCF-style: chr17-46170864-T-A. GRCh37 (hg19) VCF-style: chr17-44248230-T-A.
Other names: c.1280A>T, p.His427Leu (NM_001193465.2, NM_001193466.2, NM_001379198.1); short protein forms H427L.
Identifiers: ClinVar variation 1017076 (VCV001017076.6), dbSNP rs1166960320, ClinGen allele CA399978511.